The following is an entry in ClinVar:

ClinVar aggregate classification (germline): Pathogenic (1 of 4 stars; one submission).

Conditions:
Microcephaly, normal intelligence and immunodeficiency (NBS). Also called: Nijmegen breakage syndrome; Microcephaly with normal intelligence immunodeficiency and lymphoreticular malignancies; Nonsyndromal microcephaly autosomal recessive with normal intelligence; Seemanova syndrome 2; Immunodeficiency, microcephaly with normal intelligence; BERLIN BREAKAGE SYNDROME. Identifiers: Orphanet 647, MedGen C0398791, MONDO:0009623, OMIM 251260.

Submission:

Labcorp Genetics (formerly Invitae), Labcorp
Classification: Pathogenic for Microcephaly, normal intelligence and immunodeficiency. Last evaluated: 2016-09-15. Review status: criteria provided, single submitter. Criteria: Invitae Variant Classification Sherloc (09022015). Collection method: clinical testing. Allele origin: germline.
Comment: This variant is a gross deletion of the genomic region encompassing exons 1-4 of the NBN gene, which includes the initiator codon. The 5' end of this event is unknown as it extends beyond the assayed region for this gene and therefore may encompass additional genes. The 3' boundary is likely confined to intron 4 of the NBN gene. This is expected to result in an absent or disrupted protein product. While this particular variant has not been reported in the literature, truncating variants in NBN are known to be pathogenic (PMID: 9590180, 16415040). For these reasons, this variant has been classified as Pathogenic.

NC_000008.11:g.(?_89980734)_(89984671_?)del

Genes: NBN (nibrin; minus strand), LOC130000714 (ATAC-STARR-seq lymphoblastoid active region 27608; plus strand). Cytogenetic location: 8q21.3.
Variant type: Deletion.
Identifiers: ClinVar variation 417563 (VCV000417563.1).